The following is an entry in ClinVar:

NM_001283009.2(RTEL1):c.2852-3C>T

Genes: RTEL1-TNFRSF6B (RTEL1-TNFRSF6B readthrough (NMD candidate); plus strand), RTEL1 (regulator of telomere elongation helicase 1; plus strand). Cytogenetic location: 20q13.33.
Variant type: single nucleotide variant.
Coding change: c.2852-3C>T on transcript NM_001283009.2 (MANE Select); 3 bases into the intron before coding-DNA position 2852, C replaced by T.
Molecular consequence: intron variant.
Genome position (GRCh38, 1-based): chr20:63,693,140, C>T. VCF-style: chr20-63693140-C-T. GRCh37 (hg19) VCF-style: chr20-62324493-C-T.
Other names: c.2183-3C>T (NM_001283010.1); c.2924-3C>T (NM_032957.5); c.2852-3C>T (NM_016434.4).
Identifiers: ClinVar variation 2171231 (VCV002171231.4), dbSNP rs760334294, ClinGen allele CA9965632.
Genomic context (GRCh38, chr20:63,693,140, plus strand): 5'-AAGGTGGTCTCTGTTCTCTAGAGAAAAAGGGGCAGATGGGGACAGACGCCCCTTCCTCTA[C>T]AGGCTTCTACCAGTTTGTGCGGCCCCACCATAAGCAGCAGTTTGAGGAGGTCTGTATCCA-3'

ClinVar aggregate classification (germline): Uncertain significance (1 of 4 stars; one submission).

Conditions:
Pulmonary fibrosis and/or bone marrow failure, Telomere-related, 3. Also called: PULMONARY FIBROSIS AND/OR BONE MARROW FAILURE SYNDROME, TELOMERE-RELATED, 3. Identifiers: Orphanet 2032, MedGen C4225346, MONDO:0014613, OMIM 616373.
Dyskeratosis congenita, autosomal recessive 5 (DKCB5). Identifiers: MedGen C3554656, MONDO:0014076, OMIM 615190.

Allele frequency attached by ClinVar (database versions not stated): gnomAD exomes below 0.00001; TOPMed below 0.00001; ExAC 0.00001.
gnomAD v4.1: 2 of 1,612,234 alleles (0.00012%); highest among the groups gnomAD compares: South Asian, 0.0011%; no homozygotes.

Submission:

Labcorp Genetics (formerly Invitae), Labcorp
Classification: Uncertain significance for Dyskeratosis congenita, autosomal recessive 5; Pulmonary fibrosis and/or bone marrow failure, Telomere-related, 3. Last evaluated: 2022-10-08. Review status: criteria provided, single submitter. Criteria: Invitae Variant Classification Sherloc (09022015). Collection method: clinical testing. Allele origin: germline.
Comment: This variant has not been reported in the literature in individuals affected with RTEL1-related conditions. Variants that disrupt the consensus splice site are a relatively common cause of aberrant splicing (PMID: 17576681, 9536098). Algorithms developed to predict the effect of sequence changes on RNA splicing suggest that this variant is not likely to affect RNA splicing. In summary, the available evidence is currently insufficient to determine the role of this variant in disease. Therefore, it has been classified as a Variant of Uncertain Significance. This variant is present in population databases (rs760334294, gnomAD 0.003%). This sequence change falls in intron 29 of the RTEL1 gene. It does not directly change the encoded amino acid sequence of the RTEL1 protein. It affects a nucleotide within the consensus splice site.

Literature cited by the submitters: PubMed 17576681; PubMed 9536098.